The following is an entry in ClinVar:

NM_000135.4(FANCA):c.4333G>T (p.Asp1445Tyr)

Genes: FANCA (FA complementation group A; minus strand), ZNF276 (zinc finger protein 276; plus strand). Cytogenetic location: 16q24.3.
Variant type: single nucleotide variant.
Coding change: c.4333G>T on transcript NM_000135.4 (MANE Select); coding-DNA position 4333, G replaced by T.
Protein change: p.Asp1445Tyr; replaces aspartic acid 1445 with tyrosine.
Molecular consequence: missense variant. On other transcripts: 3 prime UTR variant (3), non-coding transcript variant (4).
Genome position (GRCh38, 1-based): chr16:89,738,636, C>A on the plus strand (G>T on the coding strand, the complement: FANCA is on the minus strand). VCF-style: chr16-89738636-C-A. GRCh37 (hg19) VCF-style: chr16-89805044-C-A.
Other names: c.*62G>T (NM_001286167.3); c.*390C>A (NM_001113525.2, NM_152287.4); short protein forms D1445Y.
Identifiers: ClinVar variation 4022217 (VCV004022217.1).

ClinVar aggregate classification (germline): Uncertain significance (1 of 4 stars; one submission).

Conditions:
Inborn genetic diseases. Identifiers: MedGen C0950123, MeSH D030342.

Submission:

Ambry Genetics
Classification: Uncertain significance for Inborn genetic diseases. Last evaluated: 2025-04-24. Review status: criteria provided, single submitter. Criteria: Ambry Variant Classification Scheme 2023. Collection method: clinical testing. Allele origin: germline.
Comment: The p.D1445Y variant (also known as c.4333G>T), located in coding exon 43 of the FANCA gene, results from a G to T substitution at nucleotide position 4333. The aspartic acid at codon 1445 is replaced by tyrosine, an amino acid with highly dissimilar properties. This amino acid position is conserved. In addition, this alteration is predicted to be tolerated by in silico analysis. Based on the available evidence, the clinical significance of this variant remains unclear.